The following is an entry in ClinVar:

NM_080632.3(UPF3B):c.1265A>G (p.Lys422Arg)

Gene: UPF3B (UPF3B regulator of nonsense mediated mRNA decay; minus strand). Cytogenetic location: Xq24.
Variant type: single nucleotide variant.
Coding change: c.1265A>G on transcript NM_080632.3 (MANE Select); coding-DNA position 1265, A replaced by G.
Protein change: p.Lys422Arg; replaces lysine 422 with arginine.
Molecular consequence: missense variant.
Genome position (GRCh38, 1-based): chrX:119,837,794, T>C on the plus strand (A>G on the coding strand, the complement: UPF3B is on the minus strand). VCF-style: chrX-119837794-T-C. GRCh37 (hg19) VCF-style: chrX-118971757-T-C.
Other names: c.1226A>G, p.Lys409Arg (NM_023010.4); short protein forms K422R, K409R.
Identifiers: ClinVar variation 1763970 (VCV001763970.6), dbSNP rs200083156, ClinGen allele CA334123318.
Genomic context (GRCh38, chrX:119,837,794, plus strand): 5'-ACAAGTTTAATGACAAGCAGCACCTTGTTTCTTATTCGATCTCTCTTGACCACTTCTTCT[T>C]TCTTTTCAGTTTTTTCTGAGCTGCCTATTGATTCTGTACTTTCAGCCTTCTTTCCTTTAT-3'
Protein context (NP_542199.1, residues 412-432): SIGSSEKTEK[Lys422Arg]EEVVKRDRIR

ClinVar aggregate classification (germline): Uncertain significance. Review status: criteria provided, multiple submitters, no conflicts (2 of 4 stars). 2 submissions from 2 submitters: Uncertain significance (2). Last evaluated 2025-12-15.

Conditions:
Inborn genetic diseases. Identifiers: MedGen C0950123, MeSH D030342.
Intellectual developmental disorder, X-linked, syndromic 14. Also called: Syndromic X-linked intellectual disability 14. Identifiers: Orphanet 776, MedGen C1970822, MONDO:0010398, OMIM 300676.

Allele frequency attached by ClinVar (database versions not stated): gnomAD 0.00001; TOPMed 0.00001; gnomAD exomes 0.00002.
gnomAD v4.1: 19 of 1,208,775 alleles (0.0016%); highest among the groups gnomAD compares: Non-Finnish European, 0.002%; no homozygotes.

Submissions (2):

Labcorp Genetics (formerly Invitae), Labcorp
Classification: Uncertain significance for Intellectual developmental disorder, X-linked, syndromic 14. Last evaluated: 2025-12-15. Review status: criteria provided, single submitter. Criteria: Invitae Variant Classification Sherloc (09022015). Collection method: clinical testing. Allele origin: germline.
Comment: This sequence change replaces lysine, which is basic and polar, with arginine, which is basic and polar, at codon 422 of the UPF3B protein (p.Lys422Arg). This variant is not present in population databases (gnomAD no frequency). This variant has not been reported in the literature in individuals affected with UPF3B-related conditions. ClinVar contains an entry for this variant (Variation ID: 1763970). Invitae Evidence Modeling of protein sequence and biophysical properties (such as structural, functional, and spatial information, amino acid conservation, physicochemical variation, residue mobility, and thermodynamic stability) indicates that this missense variant is not expected to disrupt UPF3B protein function with a negative predictive value of 80%. In summary, the available evidence is currently insufficient to determine the role of this variant in disease. Therefore, it has been classified as a Variant of Uncertain Significance.

Ambry Genetics
Classification: Uncertain significance for Inborn genetic diseases. Last evaluated: 2024-05-29. Review status: criteria provided, single submitter. Criteria: Ambry Variant Classification Scheme 2023. Collection method: clinical testing. Allele origin: germline.